The following is an entry in ClinVar:

NM_031885.5(BBS2):c.812del (p.Ala271fs)

Gene: BBS2 (Bardet-Biedl syndrome 2; minus strand). Cytogenetic location: 16q13.
Variant type: Deletion.
Coding change: c.812del on transcript NM_031885.5 (MANE Select); coding-DNA position 812, one base deleted (C; older notation c.812delC).
Protein change: p.Ala271fs; shifts the reading frame from alanine 271.
Molecular consequence: frameshift variant. On other transcripts: non-coding transcript variant (5).
Genome position (GRCh38, 1-based): chr16:56,502,801, G deleted on the plus strand (C on the coding strand, the reverse complement: BBS2 is on the minus strand). VCF-style (leftmost placement, unchanged base first): chr16-56502800-AG-A. GRCh37 (hg19) VCF-style: chr16-56536712-AG-A.
Other names: c.812del, p.Ala271fs (NM_001377456.1); c.812delC (NM_031885.3); short protein forms A271fs.
Identifiers: ClinVar variation 2029762 (VCV002029762.5), dbSNP rs2543714327, ClinGen allele CA2580091772.

ClinVar aggregate classification (germline): Pathogenic/Likely pathogenic. Review status: criteria provided, multiple submitters, no conflicts (2 of 4 stars). 2 submissions from 2 submitters: Pathogenic (1); Likely pathogenic (1). Last evaluated 2025-06-28.

Conditions:
BBS2-related disorder. Also called: BBS2-related condition; BBS2-related disorders. Identifiers: MedGen CN239228.
Bardet-Biedl syndrome (BBS). Identifiers: Orphanet 110, MedGen C0752166, MONDO:0015229.

Submissions (2):

PreventionGenetics, part of Exact Sciences
Classification: Likely pathogenic for BBS2-related condition. Last evaluated: 2025-06-28. Review status: criteria provided, single submitter. Criteria: ACMG Guidelines, 2015. Collection method: clinical testing. Allele origin: germline.
Comment: The BBS2 c.812delC variant is predicted to result in a frameshift and premature protein termination (p.Ala271Valfs*23). To our knowledge, this variant has not been reported in the literature or in a large population database, indicating this variant is rare. Frameshift variants in BBS2 are expected to be pathogenic. Therefore, this variant is interpreted as likely pathogenic.

Labcorp Genetics (formerly Invitae), Labcorp
Classification: Pathogenic for Bardet-Biedl syndrome. Last evaluated: 2022-09-09. Review status: criteria provided, single submitter. Criteria: Invitae Variant Classification Sherloc (09022015). Collection method: clinical testing. Allele origin: germline.
Comment: This sequence change creates a premature translational stop signal (p.Ala271Valfs*23) in the BBS2 gene. It is expected to result in an absent or disrupted protein product. Loss-of-function variants in BBS2 are known to be pathogenic (PMID: 11285252, 20177705, 24608809, 26518167). For these reasons, this variant has been classified as Pathogenic. This variant has not been reported in the literature in individuals affected with BBS2-related conditions. This variant is not present in population databases (gnomAD no frequency).

Literature cited by the submitters: PubMed 11285252 (cited by Labcorp Genetics (formerly Invitae), Labcorp); PubMed 20177705 (cited by Labcorp Genetics (formerly Invitae), Labcorp); PubMed 24608809 (cited by Labcorp Genetics (formerly Invitae), Labcorp); PubMed 26518167 (cited by Labcorp Genetics (formerly Invitae), Labcorp).